The following is an entry in ClinVar:

ClinVar aggregate classification (germline): Uncertain significance. Review status: criteria provided, multiple submitters, no conflicts (2 of 4 stars). 2 submissions from 2 submitters: Uncertain significance (2). Last evaluated 2022-08-23.

Allele frequency attached by ClinVar (database versions not stated): gnomAD exomes below 0.00001 and 0.00001.
gnomAD v4.1: 13 of 1,614,144 alleles (0.00081%); highest among the groups gnomAD compares: Non-Finnish European, 0.001%; no homozygotes.

Submissions (2):

Labcorp Genetics (formerly Invitae), Labcorp
Classification: Uncertain significance. Last evaluated: 2022-08-23. Review status: criteria provided, single submitter. Criteria: Invitae Variant Classification Sherloc (09022015). Collection method: clinical testing. Allele origin: germline.
Comment: This variant has not been reported in the literature in individuals affected with RUSC2-related conditions. This variant is present in population databases (no rsID available, gnomAD 0.0009%). ClinVar contains an entry for this variant (Variation ID: 1376003). In summary, the available evidence is currently insufficient to determine the role of this variant in disease. Therefore, it has been classified as a Variant of Uncertain Significance. Algorithms developed to predict the effect of missense changes on protein structure and function are either unavailable or do not agree on the potential impact of this missense change (SIFT: "Deleterious"; PolyPhen-2: "Probably Damaging"; Align-GVGD: "Class C15"). This sequence change replaces glutamine, which is neutral and polar, with histidine, which is basic and polar, at codon 479 of the RUSC2 protein (p.Gln479His).

Ambry Genetics
Classification: Uncertain significance. Last evaluated: 2022-05-27. Review status: criteria provided, single submitter. Criteria: Ambry Variant Classification Scheme 2023. Collection method: clinical testing. Allele origin: germline.

NM_014806.5(RUSC2):c.1437A>C (p.Gln479His)

Gene: RUSC2 (RUN and SH3 domain containing 2; plus strand). Cytogenetic location: 9p13.3.
Variant type: single nucleotide variant.
Coding change: c.1437A>C on transcript NM_014806.5 (MANE Select); coding-DNA position 1437, A replaced by C.
Protein change: p.Gln479His; replaces glutamine 479 with histidine.
Molecular consequence: missense variant. On other transcripts: non-coding transcript variant (1), intron variant (1).
Genome position (GRCh38, 1-based): chr9:35,547,958, A>C. VCF-style: chr9-35547958-A-C. GRCh37 (hg19) VCF-style: chr9-35547955-A-C.
Other names: c.1437A>C (NM_001135999.1); c.1437A>C, p.Gln479His (NM_001135999.2); c.-620-7102A>C (NM_001330740.2); short protein forms Q479H.
Identifiers: ClinVar variation 1376003 (VCV001376003.7), dbSNP rs1214647916, ClinGen allele CA373333173.